The following is an entry in ClinVar:

NC_000002.12:g.(?_166052832)_(166053034_?)del

Gene: SCN1A (sodium voltage-gated channel alpha subunit 1; minus strand). Cytogenetic location: 2q24.3.
Variant type: Deletion.
Identifiers: ClinVar variation 831753 (VCV000831753.2).

ClinVar aggregate classification (germline): Pathogenic (1 of 4 stars; one submission).

Conditions:
Developmental and epileptic encephalopathy. Identifiers: MedGen C5779964, MONDO:0100620.

Submission:

Labcorp Genetics (formerly Invitae), Labcorp
Classification: Pathogenic for Early infantile epileptic encephalopathy with suppression bursts. Last evaluated: 2019-10-23. Review status: criteria provided, single submitter. Criteria: Invitae Variant Classification Sherloc (09022015). Collection method: clinical testing. Allele origin: germline.
Comment: This variant is an out-of-frame deletion of the genomic region encompassing exons 5 of the SCN1A gene. This is expected to create a premature translational stop signal and result in an absent or disrupted protein product. This variant has not been reported in the literature in individuals with SCN1A-related conditions. Loss-of-function variants in SCN1A are known to be pathogenic (PMID: 17347258, 18930999). For these reasons, this variant has been classified as Pathogenic.